The following is an entry in ClinVar:

NM_003073.5(SMARCB1):c.777C>A (p.Asp259Glu)

Gene: SMARCB1 (SWI/SNF related BAF chromatin remodeling complex subunit B1; plus strand). Cytogenetic location: 22q11.23.
Variant type: single nucleotide variant.
Coding change: c.777C>A on transcript NM_003073.5 (MANE Select); coding-DNA position 777, C replaced by A.
Protein change: p.Asp259Glu; replaces aspartic acid 259 with glutamic acid.
Molecular consequence: missense variant.
Genome position (GRCh38, 1-based): chr22:23,816,918, C>A. VCF-style: chr22-23816918-C-A. GRCh37 (hg19) VCF-style: chr22-24159105-C-A.
Other names: c.750C>A, p.Asp250Glu (NM_001007468.3); c.804C>A, p.Asp268Glu (NM_001317946.2); c.831C>A, p.Asp277Glu (NM_001362877.2); short protein forms D250E, D259E, D268E, D277E.
Identifiers: ClinVar variation 4532335 (VCV004532335.1).

ClinVar aggregate classification (germline): Uncertain significance (1 of 4 stars; one submission).

Submission:

GeneDx
Classification: Uncertain significance. Last evaluated: 2025-05-28. Review status: criteria provided, single submitter. Criteria: GeneDx Variant Classification Process June 2021. Collection method: clinical testing. Allele origin: germline. Affected: yes.
Comment: Not observed at significant frequency in large population cohorts (gnomAD); In silico analysis supports that this missense variant has a deleterious effect on protein structure/function; Has not been previously published as pathogenic or benign to our knowledge; This variant is associated with the following publications: (PMID: 26073604)